The following is an entry in ClinVar:

NM_001103.4(ACTN2):c.1108-5C>T

Gene: ACTN2 (actinin alpha 2; plus strand). Cytogenetic location: 1q43.
Variant type: single nucleotide variant.
Coding change: c.1108-5C>T on transcript NM_001103.4 (MANE Select); 5 bases into the intron before coding-DNA position 1108, C replaced by T.
Molecular consequence: intron variant.
Genome position (GRCh38, 1-based): chr1:236,742,891, C>T. VCF-style: chr1-236742891-C-T. GRCh37 (hg19) VCF-style: chr1-236906191-C-T.
Other names: c.484-5C>T (NM_001278344.2); c.1108-5C>T (NM_001278343.2).
Identifiers: ClinVar variation 379513 (VCV000379513.13), dbSNP rs369956166, ClinGen allele CA1473060.

ClinVar aggregate classification (germline): Conflicting classifications of pathogenicity. Review status: criteria provided, conflicting classifications (1 of 4 stars). 3 submissions from 3 submitters: Uncertain significance (1); Benign (1); Likely benign (1). Last evaluated 2025-12-06.

Conditions:
Cardiovascular phenotype. Identifiers: MedGen CN230736.
Dilated cardiomyopathy 1AA (CMD1AA). Also called: CARDIOMYOPATHY, DILATED, 1AA, WITH OR WITHOUT LEFT VENTRICULAR NONCOMPACTION; CARDIOMYOPATHY, FAMILIAL HYPERTROPHIC, 23, WITH OR WITHOUT LEFT VENTRICULAR NONCOMPACTION; Cardiomyopathy, dilated, 1AA, with or without LVNC. Identifiers: Orphanet 154, MedGen C2677338, MONDO:0012808, OMIM 612158.
Primary familial hypertrophic cardiomyopathy (HCM). Identifiers: Orphanet 99739, MedGen C0949658, MeSH D024741, MONDO:0024573. Inheritance: Various modes of inheritance.

Allele frequency attached by ClinVar (database versions not stated): gnomAD exomes 0.00001 and 0.00003; gnomAD 0.00002; TOPMed 0.00003; ExAC 0.00004; ESP Exome Variant Server 0.00008.
gnomAD v4.1: 19 of 1,614,074 alleles (0.0012%); highest among the groups gnomAD compares: Non-Finnish European, 0.00068%; no homozygotes.

Submissions (3):

Labcorp Genetics (formerly Invitae), Labcorp
Classification: Likely benign for Primary familial hypertrophic cardiomyopathy; Dilated cardiomyopathy 1AA. Last evaluated: 2025-12-06. Review status: criteria provided, single submitter. Criteria: Invitae Variant Classification Sherloc (09022015). Collection method: clinical testing. Allele origin: germline.

Ambry Genetics
Classification: Uncertain significance for Cardiovascular phenotype. Last evaluated: 2023-11-01. Review status: criteria provided, single submitter. Criteria: Ambry Variant Classification Scheme 2023. Collection method: clinical testing. Allele origin: germline.
Comment: The c.1108-5C>T intronic variant results from a C to T substitution 5 nucleotides upstream from coding exon 11 in the ACTN2 gene. This nucleotide position is not well conserved in available vertebrate species. In silico splice site analysis predicts that this alteration will not have any significant effect on splicing. Since supporting evidence is limited at this time, the clinical significance of this alteration remains unclear.

GeneDx
Classification: Benign. Last evaluated: 2015-05-09. Review status: criteria provided, single submitter. Criteria: GeneDx Variant Classification (06012015). Collection method: clinical testing. Allele origin: germline. Affected: yes.
Comment: This variant is considered likely benign or benign based on one or more of the following criteria: it is a conservative change, it occurs at a poorly conserved position in the protein, it is predicted to be benign by multiple in silico algorithms, and/or has population frequency not consistent with disease.